The following is an entry in ClinVar:

NM_005006.7(NDUFS1):c.154-13_154-9del

Gene: NDUFS1 (NADH:ubiquinone oxidoreductase core subunit S1; minus strand). Cytogenetic location: 2q33.3.
Variant type: Deletion.
Coding change: c.154-13_154-9del on transcript NM_005006.7 (MANE Select); 13 bases into the intron before coding-DNA position 154 through 9 bases into the intron before coding-DNA position 154, 5 bases deleted (TTTTT; older notation c.154-13_154-9delTTTTT).
Molecular consequence: intron variant.
Genome position (GRCh38, 1-based): chr2:206,149,934-206,149,938, AAAAA deleted on the plus strand (TTTTT on the coding strand, the reverse complement: NDUFS1 is on the minus strand); deleting any 5 consecutive bases within chr2:206,149,934-206,149,958 gives the same sequence; the c. name uses the placement nearest the transcript's 3' end. VCF-style (leftmost placement, unchanged base first): chr2-206149933-TAAAAA-T. GRCh37 (hg19) VCF-style: chr2-207014657-TAAAAA-T.
Other names: p.?; c.6-2104_6-2100del (NM_001199982.2); c.-18-13_-18-9del (NM_001199983.2); c.154-842_154-838del (NM_001199981.2); c.196-13_196-9del (NM_001199984.2).
Identifiers: ClinVar variation 1284469 (VCV001284469.5), dbSNP rs568965659, ClinGen allele CA2070866.

ClinVar aggregate classification (germline): Benign/Likely benign. Review status: criteria provided, multiple submitters, no conflicts (2 of 4 stars). 4 submissions from 4 submitters: Benign (1); Likely benign (1). 2 of the submissions do not count toward it. Last evaluated 2024-01-04.

Conditions:
Mitochondrial complex I deficiency, nuclear type 5. Also called: Mitochondrial complex 1 deficiency, nuclear type 5. Identifiers: MedGen C4748754, MONDO:0032610, OMIM 618226.

Submissions (4):

Mayo Clinic Laboratories, Mayo Clinic
Classification: Benign. Last evaluated: 2024-01-04. Review status: criteria provided, single submitter. Criteria: ACMG Guidelines, 2015. Collection method: clinical testing. Allele origin: germline. Observed: 16 variant alleles.
Comment: BA1, BP4, BP7

Fulgent Genetics
Classification: Likely benign for Mitochondrial complex I deficiency, nuclear type 5. Last evaluated: 2021-10-13. Review status: criteria provided, single submitter. Criteria: ACMG Guidelines, 2015. Collection method: clinical testing. Allele origin: unknown.

Clinical Genetics DNA and cytogenetics Diagnostics Lab, Erasmus MC, Erasmus Medical Center
Classification: Benign. Review status: no assertion criteria provided. Collection method: clinical testing. Allele origin: germline. Affected: yes. Study: VKGL Data-share Consensus. Not counted in ClinVar's aggregate classification.

Clinical Genetics, Academic Medical Center
Classification: Benign. Review status: no assertion criteria provided. Collection method: clinical testing. Allele origin: germline. Affected: yes. Study: VKGL Data-share Consensus. Not counted in ClinVar's aggregate classification.